The following is an entry in ClinVar:

NM_002291.3(LAMB1):c.2964A>T (p.Glu988Asp)

Gene: LAMB1 (laminin subunit beta 1; minus strand). Cytogenetic location: 7q31.1.
Variant type: single nucleotide variant.
Coding change: c.2964A>T on transcript NM_002291.3 (MANE Select); coding-DNA position 2964, A replaced by T.
Protein change: p.Glu988Asp; replaces glutamic acid 988 with aspartic acid.
Molecular consequence: missense variant.
Genome position (GRCh38, 1-based): chr7:107,953,645, T>A on the plus strand (A>T on the coding strand, the complement: LAMB1 is on the minus strand). VCF-style: chr7-107953645-T-A. GRCh37 (hg19) VCF-style: chr7-107594090-T-A.
Other names: short protein forms E988D.
Identifiers: ClinVar variation 1312872 (VCV001312872.2), dbSNP rs2033308916, ClinGen allele CA368864349.

ClinVar aggregate classification (germline): Uncertain significance (1 of 4 stars; one submission).

Submission:

GeneDx
Classification: Uncertain significance. Last evaluated: 2020-07-06. Review status: criteria provided, single submitter. Criteria: GeneDx Variant Classification Process June 2021. Collection method: clinical testing. Allele origin: germline. Affected: yes.
Comment: Not observed in large population cohorts (Lek et al., 2016); In silico analysis supports that this missense variant does not alter protein structure/function; Has not been previously published as pathogenic or benign to our knowledge